The following is an entry in ClinVar:

ClinVar aggregate classification (germline): Uncertain significance (1 of 4 stars; one submission).

Conditions:
Cardiovascular phenotype. Identifiers: MedGen CN230736.

Submission:

Ambry Genetics
Classification: Uncertain significance for Cardiovascular phenotype. Last evaluated: 2021-04-12. Review status: criteria provided, single submitter. Criteria: Ambry Variant Classification Scheme 2023. Collection method: clinical testing. Allele origin: germline.
Comment: The p.E1266G variant (also known as c.3797A>G), located in coding exon 12 of the AKAP9 gene, results from an A to G substitution at nucleotide position 3797. The glutamic acid at codon 1266 is replaced by glycine, an amino acid with similar properties. This amino acid position is highly conserved in available vertebrate species. In addition, this alteration is predicted to be tolerated by in silico analysis. Since supporting evidence is limited at this time, the clinical significance of this alteration remains unclear.

NM_005751.5(AKAP9):c.3797A>G (p.Glu1266Gly)

Gene: AKAP9 (A-kinase anchoring protein 9; plus strand). Cytogenetic location: 7q21.2.
Variant type: single nucleotide variant.
Coding change: c.3797A>G on transcript NM_005751.5 (MANE Select); coding-DNA position 3797, A replaced by G.
Protein change: p.Glu1266Gly; replaces glutamic acid 1266 with glycine.
Molecular consequence: missense variant.
Genome position (GRCh38, 1-based): chr7:92,017,062, A>G. VCF-style: chr7-92017062-A-G. GRCh37 (hg19) VCF-style: chr7-91646376-A-G.
Other names: c.3797A>G, p.Glu1266Gly (NM_147185.3); short protein forms E1266G.
Identifiers: ClinVar variation 1734989 (VCV001734989.2), dbSNP rs2484734147, ClinGen allele CA368127266.